The following is an entry in ClinVar:

ClinVar aggregate classification (germline): Uncertain significance (1 of 4 stars; one submission).

Conditions:
Juvenile polyposis syndrome (JPS). Identifiers: Orphanet 2929, MedGen C0345893, MONDO:0017380, OMIM 174900.

Submission:

Labcorp Genetics (formerly Invitae), Labcorp
Classification: Uncertain significance for Juvenile polyposis syndrome. Last evaluated: 2019-08-16. Review status: criteria provided, single submitter. Criteria: Invitae Variant Classification Sherloc (09022015). Collection method: clinical testing. Allele origin: germline.
Comment: In summary, the available evidence is currently insufficient to determine the role of this variant in disease. Therefore, it has been classified as a Variant of Uncertain Significance. Nucleotide substitutions within the consensus splice site are a relatively common cause of aberrant splicing (PMID: 17576681, 9536098). Algorithms developed to predict the effect of sequence changes on RNA splicing suggest that this variant is not likely to affect RNA splicing, but this prediction has not been confirmed by published transcriptional studies. This variant has not been reported in the literature in individuals with SMAD4-related conditions. This variant is not present in population databases (ExAC no frequency). This sequence change falls in intron 3 of the SMAD4 gene. It does not directly change the encoded amino acid sequence of the SMAD4 protein, but it affects a nucleotide within the consensus splice site of the intron.

Literature cited by the submitters: PubMed 17576681; PubMed 9536098.

NM_005359.6(SMAD4):c.424+3A>G

Gene: SMAD4 (SMAD family member 4; plus strand). Cytogenetic location: 18q21.2.
Variant type: single nucleotide variant.
Coding change: c.424+3A>G on transcript NM_005359.6 (MANE Select); 3 bases into the intron after coding-DNA position 424, A replaced by G.
Molecular consequence: intron variant.
Genome position (GRCh38, 1-based): chr18:51,048,863, A>G. VCF-style: chr18-51048863-A-G. GRCh37 (hg19) VCF-style: chr18-48575233-A-G.
Identifiers: ClinVar variation 957613 (VCV000957613.7), dbSNP rs1909624249, ClinGen allele CA1139666090.